The following is an entry in ClinVar:

NM_006231.4(POLE):c.5938T>G (p.Trp1980Gly)

Gene: POLE (DNA polymerase epsilon, catalytic subunit; minus strand). Cytogenetic location: 12q24.33.
Variant type: single nucleotide variant.
Coding change: c.5938T>G on transcript NM_006231.4 (MANE Select); coding-DNA position 5938, T replaced by G.
Protein change: p.Trp1980Gly; replaces tryptophan 1980 with glycine.
Molecular consequence: missense variant.
Genome position (GRCh38, 1-based): chr12:132,634,252, A>C on the plus strand (T>G on the coding strand, the complement: POLE is on the minus strand). VCF-style: chr12-132634252-A-C. GRCh37 (hg19) VCF-style: chr12-133210838-A-C.
Other names: short protein forms W1980G.
Identifiers: ClinVar variation 3650616 (VCV003650616.2).

ClinVar aggregate classification (germline): Uncertain significance (1 of 4 stars; one submission).

Submission:

Labcorp Genetics (formerly Invitae), Labcorp
Classification: Uncertain significance. Last evaluated: 2024-04-22. Review status: criteria provided, single submitter. Criteria: Invitae Variant Classification Sherloc (09022015). Collection method: clinical testing. Allele origin: germline.
Comment: This sequence change replaces tryptophan, which is neutral and slightly polar, with glycine, which is neutral and non-polar, at codon 1980 of the POLE protein (p.Trp1980Gly). This variant is not present in population databases (gnomAD no frequency). This variant has not been reported in the literature in individuals affected with POLE-related conditions. Advanced modeling of protein sequence and biophysical properties (such as structural, functional, and spatial information, amino acid conservation, physicochemical variation, residue mobility, and thermodynamic stability) performed at Invitae indicates that this missense variant is expected to disrupt POLE protein function with a positive predictive value of 80%. In summary, the available evidence is currently insufficient to determine the role of this variant in disease. Therefore, it has been classified as a Variant of Uncertain Significance.